The following is an entry in ClinVar:

NM_018136.5(ASPM):c.6890G>A (p.Arg2297Gln)

Gene: ASPM (assembly factor for spindle microtubules; minus strand). Cytogenetic location: 1q31.3.
Variant type: single nucleotide variant.
Coding change: c.6890G>A on transcript NM_018136.5 (MANE Select); coding-DNA position 6890, G replaced by A.
Protein change: p.Arg2297Gln; replaces arginine 2297 with glutamine.
Molecular consequence: missense variant. On other transcripts: intron variant (1).
Genome position (GRCh38, 1-based): chr1:197,102,361, C>T on the plus strand (G>A on the coding strand, the complement: ASPM is on the minus strand). VCF-style: chr1-197102361-C-T. GRCh37 (hg19) VCF-style: chr1-197071491-C-T.
Other names: c.4066-6197G>A (NM_001206846.2); short protein forms R2297Q.
Identifiers: ClinVar variation 1062359 (VCV001062359.9), dbSNP rs1260749790, ClinGen allele CA344021095.

ClinVar aggregate classification (germline): Uncertain significance (1 of 4 stars; one submission).

Allele frequency attached by ClinVar (database versions not stated): TOPMed below 0.00001; gnomAD 0.00001; gnomAD exomes 0.00001.
gnomAD v4.1: 9 of 1,612,500 alleles (0.00056%); highest among the groups gnomAD compares: African/African-American, 0.004%; no homozygotes.

Submission:

Labcorp Genetics (formerly Invitae), Labcorp
Classification: Uncertain significance. Last evaluated: 2022-09-20. Review status: criteria provided, single submitter. Criteria: Invitae Variant Classification Sherloc (09022015). Collection method: clinical testing. Allele origin: germline.
Comment: In summary, the available evidence is currently insufficient to determine the role of this variant in disease. Therefore, it has been classified as a Variant of Uncertain Significance. Algorithms developed to predict the effect of missense changes on protein structure and function (SIFT, PolyPhen-2, Align-GVGD) all suggest that this variant is likely to be disruptive. ClinVar contains an entry for this variant (Variation ID: 1062359). This variant has not been reported in the literature in individuals affected with ASPM-related conditions. This variant is present in population databases (no rsID available, gnomAD 0.004%). This sequence change replaces arginine, which is basic and polar, with glutamine, which is neutral and polar, at codon 2297 of the ASPM protein (p.Arg2297Gln).